The following is an entry in ClinVar:

ClinVar aggregate classification (germline): Uncertain significance (1 of 4 stars; one submission).

Allele frequency attached by ClinVar (database versions not stated): TOPMed 0.00001; ExAC 0.00002; gnomAD exomes 0.00002 and 0.00003; gnomAD 0.00003 and 0.00004.
gnomAD v4.1: 35 of 1,613,942 alleles (0.0022%); highest among the groups gnomAD compares: Non-Finnish European, 0.0028%; no homozygotes.

Submission:

Labcorp Genetics (formerly Invitae), Labcorp
Classification: Uncertain significance. Last evaluated: 2025-10-29. Review status: criteria provided, single submitter. Criteria: Invitae Variant Classification Sherloc (09022015). Collection method: clinical testing. Allele origin: germline.
Comment: This sequence change replaces serine, which is neutral and polar, with tyrosine, which is neutral and polar, at codon 1125 of the RP1 protein (p.Ser1125Tyr). This variant is present in population databases (rs532166235, gnomAD 0.009%). This variant has not been reported in the literature in individuals affected with RP1-related conditions. ClinVar contains an entry for this variant (Variation ID: 958089). An algorithm developed to predict the effect of missense changes on protein structure and function outputs the following: PolyPhen-2: "Benign". The tyrosine amino acid residue is found in multiple mammalian species, which suggests that this missense change does not adversely affect protein function. In summary, the available evidence is currently insufficient to determine the role of this variant in disease. Therefore, it has been classified as a Variant of Uncertain Significance.

NM_006269.2(RP1):c.3374C>A (p.Ser1125Tyr)

Gene: RP1 (RP1 axonemal microtubule associated; plus strand). Cytogenetic location: 8q12.1.
Variant type: single nucleotide variant.
Coding change: c.3374C>A on transcript NM_006269.2 (MANE Select); coding-DNA position 3374, C replaced by A.
Protein change: p.Ser1125Tyr; replaces serine 1125 with tyrosine.
Molecular consequence: missense variant. On other transcripts: intron variant (1).
Genome position (GRCh38, 1-based): chr8:54,627,256, C>A. VCF-style: chr8-54627256-C-A. GRCh37 (hg19) VCF-style: chr8-55539816-C-A.
Other names: c.787+4968C>A (NM_001375654.1); short protein forms S1125Y.
Identifiers: ClinVar variation 958089 (VCV000958089.9), dbSNP rs532166235, ClinGen allele CA4751679.